The following is an entry in ClinVar:

NM_030773.4(TUBB1):c.110G>A (p.Arg37His)

Gene: TUBB1 (tubulin beta 1 class VI; plus strand). Cytogenetic location: 20q13.32.
Variant type: single nucleotide variant.
Coding change: c.110G>A on transcript NM_030773.4 (MANE Select); coding-DNA position 110, G replaced by A.
Protein change: p.Arg37His; replaces arginine 37 with histidine.
Molecular consequence: missense variant.
Genome position (GRCh38, 1-based): chr20:59,022,897, G>A. VCF-style: chr20-59022897-G-A. GRCh37 (hg19) VCF-style: chr20-57597952-G-A.
Other names: short protein forms R37H.
Identifiers: ClinVar variation 2888052 (VCV002888052.3), dbSNP rs375670709, ClinGen allele CA9928370.

ClinVar aggregate classification (germline): Uncertain significance (1 of 4 stars; one submission).

Allele frequency attached by ClinVar (database versions not stated): gnomAD exomes 0.00001; ExAC 0.00002; gnomAD 0.00005; ESP Exome Variant Server 0.00008; TOPMed 0.00009.

Submission:

Labcorp Genetics (formerly Invitae), Labcorp
Classification: Uncertain significance. Last evaluated: 2022-11-01. Review status: criteria provided, single submitter. Criteria: Invitae Variant Classification Sherloc (09022015). Collection method: clinical testing. Allele origin: germline.
Comment: In summary, the available evidence is currently insufficient to determine the role of this variant in disease. Therefore, it has been classified as a Variant of Uncertain Significance. Algorithms developed to predict the effect of missense changes on protein structure and function output the following: SIFT: "Not Available"; PolyPhen-2: "Benign"; Align-GVGD: "Not Available". The histidine amino acid residue is found in multiple mammalian species, which suggests that this missense change does not adversely affect protein function. This variant has not been reported in the literature in individuals affected with TUBB1-related conditions. This variant is present in population databases (rs375670709, gnomAD 0.03%). This sequence change replaces arginine, which is basic and polar, with histidine, which is basic and polar, at codon 37 of the TUBB1 protein (p.Arg37His).